The following is an entry in ClinVar:

NM_017668.3(NDE1):c.237+137C>G

Gene: NDE1 (nudE neurodevelopment protein 1; plus strand). Cytogenetic location: 16p13.11.
Variant type: single nucleotide variant.
Coding change: c.237+137C>G on transcript NM_017668.3 (MANE Select); 137 bases into the intron after coding-DNA position 237, C replaced by G.
Molecular consequence: intron variant.
Genome position (GRCh38, 1-based): chr16:15,667,576, C>G. VCF-style: chr16-15667576-C-G. GRCh37 (hg19) VCF-style: chr16-15761433-C-G.
Other names: c.237+137C>G (NM_001143979.2).
Identifiers: ClinVar variation 667639 (VCV000667639.1), dbSNP rs4781679, ClinGen allele CA14214115.

ClinVar aggregate classification (germline): Benign (1 of 4 stars; one submission).

Allele frequency attached by ClinVar (database versions not stated): gnomAD 0.72399 and 0.72700; TOPMed 0.73429; 1000 Genomes Project 0.75459; 1000 Genomes Project 30x 0.75781.
gnomAD v4.1: 673,568 of 1,009,622 alleles (67%); highest among the groups gnomAD compares: African/African-American, 90%; 227,887 homozygotes.

Submission:

GeneDx
Classification: Benign. Last evaluated: 2018-06-19. Review status: criteria provided, single submitter. Criteria: GeneDx Variant Classification (06012015). Collection method: clinical testing. Allele origin: germline. Affected: yes.
Comment: This variant is considered likely benign or benign based on one or more of the following criteria: it is a conservative change, it occurs at a poorly conserved position in the protein, it is predicted to be benign by multiple in silico algorithms, and/or has population frequency not consistent with disease.